The following is an entry in ClinVar:

ClinVar aggregate classification (germline): Likely benign. Review status: criteria provided, multiple submitters, no conflicts (2 of 4 stars). 3 submissions from 3 submitters: Likely benign (2). 1 of the submissions does not count toward it. Last evaluated 2025-05-22.

Conditions:
TENM4-related disorder. Also called: TENM4-related condition.

Allele frequency attached by ClinVar (database versions not stated): gnomAD exomes 0.00010; ESP Exome Variant Server 0.00016; ExAC 0.00025; gnomAD 0.00081; TOPMed 0.00081; 1000 Genomes Project 0.00200; 1000 Genomes Project 30x 0.00203.
gnomAD v4.1: 284 of 1,613,768 alleles (0.018%); highest among the groups gnomAD compares: African/African-American, 0.27%; no homozygotes.

Submissions (3):

Mayo Clinic Laboratories, Mayo Clinic
Classification: Likely benign. Last evaluated: 2025-05-22. Review status: criteria provided, single submitter. Criteria: ACMG Guidelines, 2015. Collection method: clinical testing. Allele origin: germline. Observed: 1 variant allele.
Comment: BP4, BP7

Blueprint Genetics
Classification: Likely benign. Last evaluated: 2024-10-16. Review status: criteria provided, single submitter. Criteria: ACMG Guidelines, 2015. Collection method: clinical testing. Allele origin: germline.

PreventionGenetics, part of Exact Sciences
Classification: Likely benign for TENM4-related condition. Last evaluated: 2019-03-14. Review status: no assertion criteria provided. Collection method: clinical testing. Allele origin: germline. Not counted in ClinVar's aggregate classification.
Comment: This variant is classified as likely benign based on ACMG/AMP sequence variant interpretation guidelines (Richards et al. 2015 PMID: 25741868, with internal and published modifications).

NM_001098816.3(TENM4):c.3087G>A (p.Thr1029=)

Gene: TENM4 (teneurin transmembrane protein 4; minus strand). Cytogenetic location: 11q14.1.
Variant type: single nucleotide variant.
Coding change: c.3087G>A on transcript NM_001098816.3 (MANE Select); coding-DNA position 3087, G replaced by A.
Protein change: p.Thr1029=; no amino-acid change (threonine 1029 retained).
Molecular consequence: synonymous variant.
Genome position (GRCh38, 1-based): chr11:78,732,367, C>T on the plus strand (G>A on the coding strand, the complement: TENM4 is on the minus strand). VCF-style: chr11-78732367-C-T. GRCh37 (hg19) VCF-style: chr11-78443412-C-T.
Other names: p.Thr1029=.
Identifiers: ClinVar variation 3033687 (VCV003033687.4), dbSNP rs61743190, ClinGen allele CA6207134.